The following is an entry in ClinVar:

ClinVar aggregate classification (germline): Uncertain significance (1 of 4 stars; one submission).

Conditions:
Vici syndrome (VICIS). Identifiers: Orphanet 1493, MedGen C1855772, MONDO:0009452, OMIM 242840.

Submission:

Labcorp Genetics (formerly Invitae), Labcorp
Classification: Uncertain significance for Vici syndrome. Last evaluated: 2022-04-18. Review status: criteria provided, single submitter. Criteria: Invitae Variant Classification Sherloc (09022015). Collection method: clinical testing. Allele origin: germline.
Comment: This variant results in a copy number gain of the genomic region encompassing exon(s) 18-23 of the EPG5 gene. While the exact position of this variant cannot be determined from the data, sub-genic copy number gains are generally in tandem (PMID: 25640679). This variant is predicted to be in-frame, and likely preserves the integrity of the reading frame. This variant has not been reported in the literature in individuals affected with EPG5-related conditions. Experimental studies and prediction algorithms are not available or were not evaluated, and the functional significance of this variant is currently unknown. In summary, the available evidence is currently insufficient to determine the role of this variant in disease. Therefore, it has been classified as a Variant of Uncertain Significance.

Literature cited by the submitters: PubMed 25640679.

NC_000018.9:g.(?_43490466)_(43496567_?)dup

Gene: EPG5 (ectopic P-granules 5 autophagy tethering factor; minus strand). Cytogenetic location: 18q12.3.
Variant type: Duplication.
Identifiers: ClinVar variation 2426637 (VCV002426637.4).